The following is an entry in ClinVar:

NM_001035.3(RYR2):c.5917-7C>G

Gene: RYR2 (ryanodine receptor 2; plus strand). Cytogenetic location: 1q43.
Variant type: single nucleotide variant.
Coding change: c.5917-7C>G on transcript NM_001035.3 (MANE Select); 7 bases into the intron before coding-DNA position 5917, C replaced by G.
Molecular consequence: intron variant.
Genome position (GRCh38, 1-based): chr1:237,623,758, C>G. VCF-style: chr1-237623758-C-G. GRCh37 (hg19) VCF-style: chr1-237787058-C-G.
Identifiers: ClinVar variation 4758240 (VCV004758240.1).

ClinVar aggregate classification (germline): Uncertain significance (1 of 4 stars; one submission).

Conditions:
Cardiomyopathy (CMYO). Also called: Cardiomyopathies. Identifiers: Orphanet 167848, MedGen C0878544, MONDO:0004994, HP:0001638. Inheritance: Various modes of inheritance.

Submission:

Color Diagnostics, LLC DBA Color Health
Classification: Uncertain significance for Cardiomyopathy. Last evaluated: 2025-10-07. Review status: criteria provided, single submitter. Criteria: ACMG Guidelines, 2015. Collection method: clinical testing. Allele origin: germline.
Comment: This variant causes a C to G nucleotide substitution at the -7 position of intron 38 of the RYR2 gene. To our knowledge, functional studies have not been reported for this variant. This variant has not been reported in individuals affected with RYR2-related disorders in the literature. This variant has not been identified in the general population by the Genome Aggregation Database (gnomAD). The available evidence is insufficient to determine the role of this variant in disease conclusively. Therefore, this variant is classified as a Variant of Uncertain Significance.